The following is an entry in ClinVar:

ClinVar aggregate classification (germline): Uncertain significance (1 of 4 stars; one submission).

Allele frequency attached by ClinVar (database versions not stated): gnomAD 0.00001; ExAC 0.00002.
gnomAD v4.1: 15 of 1,613,466 alleles (0.00093%); highest among the groups gnomAD compares: Non-Finnish European, 0.0012%; no homozygotes.

Submission:

Labcorp Genetics (formerly Invitae), Labcorp
Classification: Uncertain significance. Last evaluated: 2022-07-14. Review status: criteria provided, single submitter. Criteria: Invitae Variant Classification Sherloc (09022015). Collection method: clinical testing. Allele origin: germline.
Comment: Algorithms developed to predict the effect of missense changes on protein structure and function (SIFT, PolyPhen-2, Align-GVGD) all suggest that this variant is likely to be tolerated. In summary, the available evidence is currently insufficient to determine the role of this variant in disease. Therefore, it has been classified as a Variant of Uncertain Significance. This variant has not been reported in the literature in individuals affected with TSPAN12-related conditions. This variant is present in population databases (rs771135954, gnomAD 0.006%). This sequence change replaces valine, which is neutral and non-polar, with isoleucine, which is neutral and non-polar, at codon 183 of the TSPAN12 protein (p.Val183Ile).

NM_012338.4(TSPAN12):c.547G>A (p.Val183Ile)

Gene: TSPAN12 (tetraspanin 12; minus strand). Cytogenetic location: 7q31.31.
Variant type: single nucleotide variant.
Coding change: c.547G>A on transcript NM_012338.4 (MANE Select); coding-DNA position 547, G replaced by A.
Protein change: p.Val183Ile; replaces valine 183 with isoleucine.
Molecular consequence: missense variant.
Genome position (GRCh38, 1-based): chr7:120,806,614, C>T on the plus strand (G>A on the coding strand, the complement: TSPAN12 is on the minus strand). VCF-style: chr7-120806614-C-T. GRCh37 (hg19) VCF-style: chr7-120446668-C-T.
Other names: short protein forms V183I.
Identifiers: ClinVar variation 1951038 (VCV001951038.5), dbSNP rs771135954, ClinGen allele CA4453862.